The following is an entry in ClinVar:

ClinVar aggregate classification (germline): Uncertain significance (1 of 4 stars; one submission).

gnomAD v4.1: 2 of 1,613,862 alleles (0.00012%); highest among the groups gnomAD compares: Non-Finnish European, 0.00017%; no homozygotes.

Submission:

Labcorp Genetics (formerly Invitae), Labcorp
Classification: Uncertain significance. Last evaluated: 2024-08-14. Review status: criteria provided, single submitter. Criteria: Invitae Variant Classification Sherloc (09022015). Collection method: clinical testing. Allele origin: germline.
Comment: This sequence change replaces alanine, which is neutral and non-polar, with threonine, which is neutral and polar, at codon 1403 of the POLR1A protein (p.Ala1403Thr). This variant is not present in population databases (gnomAD no frequency). This variant has not been reported in the literature in individuals affected with POLR1A-related conditions. Invitae Evidence Modeling of protein sequence and biophysical properties (such as structural, functional, and spatial information, amino acid conservation, physicochemical variation, residue mobility, and thermodynamic stability) indicates that this missense variant is not expected to disrupt POLR1A protein function with a negative predictive value of 80%. In summary, the available evidence is currently insufficient to determine the role of this variant in disease. Therefore, it has been classified as a Variant of Uncertain Significance.

NM_015425.6(POLR1A):c.4207G>A (p.Ala1403Thr)

Gene: POLR1A (RNA polymerase I subunit A; minus strand). Cytogenetic location: 2p11.2.
Variant type: single nucleotide variant.
Coding change: c.4207G>A on transcript NM_015425.6 (MANE Select); coding-DNA position 4207, G replaced by A.
Protein change: p.Ala1403Thr; replaces alanine 1403 with threonine.
Molecular consequence: missense variant.
Genome position (GRCh38, 1-based): chr2:86,032,337, C>T on the plus strand (G>A on the coding strand, the complement: POLR1A is on the minus strand). VCF-style: chr2-86032337-C-T. GRCh37 (hg19) VCF-style: chr2-86259460-C-T.
Other names: short protein forms A1403T.
Identifiers: ClinVar variation 3662383 (VCV003662383.2).